The following is an entry in ClinVar:

ClinVar aggregate classification (germline): Uncertain significance (1 of 4 stars; one submission).

Conditions:
Cardiovascular phenotype. Identifiers: MedGen CN230736.

Allele frequency attached by ClinVar (database versions not stated): gnomAD 0.00001; TOPMed 0.00001.
gnomAD v4.1: 8 of 1,298,368 alleles (0.00062%); highest among the groups gnomAD compares: South Asian, 0.0097%; no homozygotes.

Submission:

Ambry Genetics
Classification: Uncertain significance for Cardiovascular phenotype. Last evaluated: 2020-03-27. Review status: criteria provided, single submitter. Criteria: Ambry Variant Classification Scheme 2023. Collection method: clinical testing. Allele origin: germline.
Comment: The p.D287N variant (also known as c.859G>A), located in coding exon 4 of the KCNH2 gene, results from a G to A substitution at nucleotide position 859. The aspartic acid at codon 287 is replaced by asparagine, an amino acid with highly similar properties. This amino acid position is well conserved in available vertebrate species. In addition, the in silico prediction for this alteration is inconclusive. Since supporting evidence is limited at this time, the clinical significance of this alteration remains unclear.

NM_000238.4(KCNH2):c.859G>A (p.Asp287Asn)

Gene: KCNH2 (potassium voltage-gated channel subfamily H member 2; minus strand). Cytogenetic location: 7q36.1.
Variant type: single nucleotide variant.
Coding change: c.859G>A on transcript NM_000238.4 (MANE Select); coding-DNA position 859, G replaced by A.
Protein change: p.Asp287Asn; replaces aspartic acid 287 with asparagine.
Molecular consequence: missense variant.
Genome position (GRCh38, 1-based): chr7:150,958,116, C>T on the plus strand (G>A on the coding strand, the complement: KCNH2 is on the minus strand). VCF-style: chr7-150958116-C-T. GRCh37 (hg19) VCF-style: chr7-150655204-C-T.
Other names: c.571G>A, p.Asp191Asn (NM_001406753.1, NM_001406756.1); c.682G>A, p.Asp228Asn (NM_001406755.1); c.559G>A, p.Asp187Asn (NM_001406757.1); c.859G>A, p.Asp287Asn (NM_172056.3); short protein forms D287N, D228N, D191N, D187N.
Identifiers: ClinVar variation 1763981 (VCV001763981.2), dbSNP rs1229265065, ClinGen allele CA369862250.